The following is an entry in ClinVar:

NM_002878.4(RAD51D):c.617A>T (p.Asp206Val)

Genes: RAD51L3-RFFL (RAD51L3-RFFL readthrough; minus strand), RAD51D (RAD51 paralog D; minus strand). Cytogenetic location: 17q12.
Variant type: single nucleotide variant.
Coding change: c.617A>T on transcript NM_002878.4 (MANE Select); coding-DNA position 617, A replaced by T.
Protein change: p.Asp206Val; replaces aspartic acid 206 with valine.
Molecular consequence: missense variant. On other transcripts: non-coding transcript variant (3).
Genome position (GRCh38, 1-based): chr17:35,103,504, T>A on the plus strand (A>T on the coding strand, the complement: RAD51D is on the minus strand). VCF-style: chr17-35103504-T-A. GRCh37 (hg19) VCF-style: chr17-33430523-T-A.
Other names: c.677A>T, p.Asp226Val (NM_001142571.2); c.281A>T, p.Asp94Val (NM_133629.3); short protein forms D226V, D94V, D206V.
Identifiers: ClinVar variation 1752043 (VCV001752043.5), dbSNP rs2509130367, ClinGen allele CA399087920.

ClinVar aggregate classification (germline): Uncertain significance. Review status: criteria provided, multiple submitters, no conflicts (2 of 4 stars). 2 submissions from 2 submitters: Uncertain significance (2). Last evaluated 2024-07-03.

Conditions:
Hereditary cancer-predisposing syndrome. Also called: Hereditary Cancer Syndrome; Hereditary neoplastic syndrome; Neoplastic Syndromes, Hereditary; Tumor predisposition. Identifiers: Orphanet 140162, MedGen C0027672, MeSH D009386, MONDO:0015356.
Breast-ovarian cancer, familial, susceptibility to, 4. Identifiers: Orphanet 145, MedGen C3280345, MONDO:0013669, OMIM 614291.

Submissions (2):

Labcorp Genetics (formerly Invitae), Labcorp
Classification: Uncertain significance for Breast-ovarian cancer, familial, susceptibility to, 4. Last evaluated: 2024-07-03. Review status: criteria provided, single submitter. Criteria: Invitae Variant Classification Sherloc (09022015). Collection method: clinical testing. Allele origin: germline.
Comment: This sequence change replaces aspartic acid, which is acidic and polar, with valine, which is neutral and non-polar, at codon 206 of the RAD51D protein (p.Asp206Val). This variant is not present in population databases (gnomAD no frequency). This variant has not been reported in the literature in individuals affected with RAD51D-related conditions. ClinVar contains an entry for this variant (Variation ID: 1752043). Advanced modeling of protein sequence and biophysical properties (such as structural, functional, and spatial information, amino acid conservation, physicochemical variation, residue mobility, and thermodynamic stability) performed at Invitae indicates that this missense variant is expected to disrupt RAD51D protein function with a positive predictive value of 80%. In summary, the available evidence is currently insufficient to determine the role of this variant in disease. Therefore, it has been classified as a Variant of Uncertain Significance.

Ambry Genetics
Classification: Uncertain significance for Hereditary cancer-predisposing syndrome. Last evaluated: 2020-10-15. Review status: criteria provided, single submitter. Criteria: Ambry Variant Classification Scheme 2023. Collection method: clinical testing. Allele origin: germline.
Comment: The p.D206V variant (also known as c.617A>T), located in coding exon 7 of the RAD51D gene, results from an A to T substitution at nucleotide position 617. The aspartic acid at codon 206 is replaced by valine, an amino acid with highly dissimilar properties. Based on internal structural assessment, this alteration disrupts the conserved ATP-binding site (Brouwer I et al. EMBO J, 2018 04;37:). This amino acid position is well conserved in available vertebrate species. In addition, this alteration is predicted to be deleterious by in silico analysis. Since supporting evidence is limited at this time, the clinical significance of this alteration remains unclear.

Literature cited by the submitters: PubMed 29507080 (cited by Ambry Genetics).